The following is an entry in ClinVar:

NM_001853.4(COL9A3):c.1506C>T (p.Gly502=)

Genes: COL9A3 (collagen type IX alpha 3 chain; plus strand), LOC126863084 (MED14-independent group 3 enhancer GRCh37_chr20:61467141-61468340; plus strand). Cytogenetic location: 20q13.33.
Variant type: single nucleotide variant.
Coding change: c.1506C>T on transcript NM_001853.4 (MANE Select); coding-DNA position 1506, C replaced by T.
Protein change: p.Gly502=; no amino-acid change (glycine 502 retained).
Molecular consequence: synonymous variant.
Genome position (GRCh38, 1-based): chr20:62,836,291, C>T. VCF-style: chr20-62836291-C-T. GRCh37 (hg19) VCF-style: chr20-61467643-C-T.
Identifiers: ClinVar variation 742184 (VCV000742184.12), dbSNP rs373525882, ClinGen allele CA9950004.

ClinVar aggregate classification (germline): Likely benign. Review status: criteria provided, multiple submitters, no conflicts (2 of 4 stars). 3 submissions from 3 submitters: Likely benign (2). 1 of the submissions does not count toward it. Last evaluated 2025-12-29.

Conditions:
COL9A3-related disorder. Also called: COL9A3-related condition.

Allele frequency attached by ClinVar (database versions not stated): gnomAD exomes 0.00005 and 0.00006; ExAC 0.00008; gnomAD 0.00008 and 0.00009; TOPMed 0.00008; ESP Exome Variant Server 0.00015; 1000 Genomes Project 30x 0.00031.
gnomAD v4.1: 98 of 1,613,842 alleles (0.0061%); highest among the groups gnomAD compares: Middle Eastern, 0.016%; no homozygotes.

Submissions (3):

Labcorp Genetics (formerly Invitae), Labcorp
Classification: Likely benign. Last evaluated: 2025-12-29. Review status: criteria provided, single submitter. Criteria: Invitae Variant Classification Sherloc (09022015). Collection method: clinical testing. Allele origin: germline.

Blueprint Genetics
Classification: Likely benign. Last evaluated: 2024-07-08. Review status: criteria provided, single submitter. Criteria: ACMG Guidelines, 2015. Collection method: clinical testing. Allele origin: germline.

PreventionGenetics, part of Exact Sciences
Classification: Likely benign for COL9A3-related condition. Last evaluated: 2019-03-05. Review status: no assertion criteria provided. Collection method: clinical testing. Allele origin: germline. Not counted in ClinVar's aggregate classification.
Comment: This variant is classified as likely benign based on ACMG/AMP sequence variant interpretation guidelines (Richards et al. 2015 PMID: 25741868, with internal and published modifications).